The following is an entry in ClinVar:

ClinVar aggregate classification (germline): Benign/Likely benign. Review status: criteria provided, multiple submitters, no conflicts (2 of 4 stars). 3 submissions from 3 submitters: Benign (2); Likely benign (1). Last evaluated 2026-08-01.

Conditions:
MRPS34-related disorder. Also called: MRPS34-related condition.

Allele frequency attached by ClinVar (database versions not stated): TOPMed 0.00123; ESP Exome Variant Server 0.00131; ExAC 0.00143; 1000 Genomes Project 0.00020; gnomAD 0.00115.

Submissions (3):

CeGaT Center for Human Genetics Tuebingen
Classification: Likely benign. Last evaluated: 2026-08-01. Review status: criteria provided, single submitter. Criteria: CeGaT Center For Human Genetics Tuebingen Variant Classification Criteria Version 2. Collection method: clinical testing. Allele origin: germline. Affected: yes. Observed: 2 variant alleles.
Comment: MRPS34: BP4, BP7

Labcorp Genetics (formerly Invitae), Labcorp
Classification: Benign. Last evaluated: 2025-12-04. Review status: criteria provided, single submitter. Criteria: Invitae Variant Classification Sherloc (09022015). Collection method: clinical testing. Allele origin: germline.

PreventionGenetics, part of Exact Sciences
Classification: Benign for MRPS34-related condition. Last evaluated: 2025-09-24. Review status: criteria provided, single submitter. Criteria: ACMG Guidelines, 2015. Collection method: clinical testing. Allele origin: germline.
Comment: This variant is classified as benign based on ACMG/AMP sequence variant interpretation guidelines (Richards et al. 2015 PMID: 25741868, with internal and published modifications).

NM_023936.2(MRPS34):c.585G>A (p.Arg195=)

Gene: MRPS34 (mitochondrial ribosomal protein S34; minus strand). Cytogenetic location: 16p13.3.
Variant type: single nucleotide variant.
Coding change: c.585G>A on transcript NM_023936.2 (MANE Select); coding-DNA position 585, G replaced by A.
Protein change: p.Arg195=; no amino-acid change (arginine 195 retained).
Molecular consequence: synonymous variant.
Genome position (GRCh38, 1-based): chr16:1,772,293, C>T on the plus strand (G>A on the coding strand, the complement: MRPS34 is on the minus strand). VCF-style: chr16-1772293-C-T. GRCh37 (hg19) VCF-style: chr16-1822294-C-T.
Other names: c.606G>A, p.Arg202= (NM_001300900.2); c.606G>A (NM_001300900.1).
Identifiers: ClinVar variation 2059953 (VCV002059953.29), dbSNP rs144283119, ClinGen allele CA7818297.